The following is an entry in ClinVar:

ClinVar aggregate classification (germline): Uncertain significance (1 of 4 stars; one submission).

Conditions:
Epilepsy, familial adult myoclonic, 5 (EPEO5). Also called: CORTICAL MYOCLONIC TREMOR WITH EPILEPSY, FAMILIAL, 5. Identifiers: Orphanet 86814, MedGen C3809374, MONDO:0014167, OMIM 615400.

Allele frequency attached by ClinVar (database versions not stated): TOPMed below 0.00001; gnomAD exomes 0.00001.
gnomAD v4.1: 7 of 1,611,850 alleles (0.00043%); highest among the groups gnomAD compares: Non-Finnish European, 0.00059%; no homozygotes.

Submission:

Labcorp Genetics (formerly Invitae), Labcorp
Classification: Uncertain significance for Epilepsy, familial adult myoclonic, 5. Last evaluated: 2022-08-22. Review status: criteria provided, single submitter. Criteria: Invitae Variant Classification Sherloc (09022015). Collection method: clinical testing. Allele origin: germline.
Comment: This variant has not been reported in the literature in individuals affected with CNTN2-related conditions. This variant is present in population databases (no rsID available, gnomAD 0.0009%). This sequence change replaces arginine, which is basic and polar, with glutamine, which is neutral and polar, at codon 355 of the CNTN2 protein (p.Arg355Gln). In summary, the available evidence is currently insufficient to determine the role of this variant in disease. Therefore, it has been classified as a Variant of Uncertain Significance. Advanced modeling of protein sequence and biophysical properties (such as structural, functional, and spatial information, amino acid conservation, physicochemical variation, residue mobility, and thermodynamic stability) performed at Invitae indicates that this missense variant is not expected to disrupt CNTN2 protein function.

NM_005076.5(CNTN2):c.1064G>A (p.Arg355Gln)

Gene: CNTN2 (contactin 2; plus strand). Cytogenetic location: 1q32.1.
Variant type: single nucleotide variant.
Coding change: c.1064G>A on transcript NM_005076.5 (MANE Select); coding-DNA position 1064, G replaced by A.
Protein change: p.Arg355Gln; replaces arginine 355 with glutamine.
Molecular consequence: missense variant. On other transcripts: non-coding transcript variant (1).
Genome position (GRCh38, 1-based): chr1:205,061,955, G>A. VCF-style: chr1-205061955-G-A. GRCh37 (hg19) VCF-style: chr1-205031083-G-A.
Other names: c.1064G>A, p.Arg355Gln (NM_001346083.2); short protein forms R355Q.
Identifiers: ClinVar variation 2149196 (VCV002149196.2), dbSNP rs1313902620, ClinGen allele CA344410430.
Genomic context (GRCh38, chr1:205,061,955, plus strand): 5'-ACACAGAGGCTGACATTGGCTCCAACCTGCGTTGGGGCTGTGCAGCCGCCGGCAAGCCCC[G>A]GCCTACAGTGCGCTGGCTGCGGAACGGGGAGCCTCTGGCCTCCCAGGTAGGAGACATGGG-3'
Protein context (NP_005067.1, residues 345-365): RWGCAAAGKP[Arg355Gln]PTVRWLRNGE